The following is an entry in ClinVar:

ClinVar aggregate classification (germline): Benign/Likely benign. Review status: criteria provided, multiple submitters, no conflicts (2 of 4 stars). 6 submissions from 6 submitters: Benign (2); Likely benign (3). 1 of the submissions does not count toward it. Last evaluated 2025-12-26.

Conditions:
ANK2-related disorder. Also called: ANK2-related condition.
Cardiac arrhythmia, ankyrin-B-related. Also called: ANKYRIN-B SYNDROME. Identifiers: Orphanet 101016, Orphanet 768, MedGen C1970119, MONDO:0010958, OMIM 600919.
Long QT syndrome (LQTS). Identifiers: MedGen C0023976, MeSH D008133, MONDO:0002442. Disease mechanism: loss of function. Inheritance: Various modes of inheritance.
Cardiovascular phenotype. Identifiers: MedGen CN230736.

Allele frequency attached by ClinVar (database versions not stated): gnomAD below 0.00001 and 0.00005; TOPMed below 0.00001; gnomAD exomes 0.00007 and 0.00014; ExAC 0.00019; 1000 Genomes Project 30x 0.00094; 1000 Genomes Project 0.00100.
gnomAD v4.1: 120 of 1,614,078 alleles (0.0074%); highest among the groups gnomAD compares: South Asian, 0.12%; no homozygotes.

Submissions (6):

Labcorp Genetics (formerly Invitae), Labcorp
Classification: Benign for Long QT syndrome. Last evaluated: 2025-12-26. Review status: criteria provided, single submitter. Criteria: Invitae Variant Classification Sherloc (09022015). Collection method: clinical testing. Allele origin: germline.

Genome-Nilou Lab
Classification: Benign for Cardiac arrhythmia, ankyrin-B-related. Last evaluated: 2021-12-05. Review status: criteria provided, single submitter. Criteria: ACMG Guidelines, 2015. Collection method: clinical testing. Allele origin: germline. Affected: no.

Ambry Genetics
Classification: Likely benign for Cardiovascular phenotype. Last evaluated: 2019-08-02. Review status: criteria provided, single submitter. Criteria: Ambry Variant Classification Scheme 2023. Collection method: clinical testing. Allele origin: germline.

GeneDx
Classification: Likely benign. Last evaluated: 2016-01-04. Review status: criteria provided, single submitter. Criteria: GeneDx Variant Classification (06012015). Collection method: clinical testing. Allele origin: germline. Affected: yes.
Comment: This variant is considered likely benign or benign based on one or more of the following criteria: it is a conservative change, it occurs at a poorly conserved position in the protein, it is predicted to be benign by multiple in silico algorithms, and/or has population frequency not consistent with disease.

Breakthrough Genomics
Classification: Likely benign. Review status: criteria provided, single submitter. Criteria: ACMG Guidelines, 2015. Collection method: not provided. Allele origin: germline. Inheritance: Autosomal dominant inheritance. Affected: yes.

PreventionGenetics, part of Exact Sciences
Classification: Likely benign for ANK2-related condition. Last evaluated: 2019-07-03. Review status: no assertion criteria provided. Collection method: clinical testing. Allele origin: germline. Not counted in ClinVar's aggregate classification.
Comment: This variant is classified as likely benign based on ACMG/AMP sequence variant interpretation guidelines (Richards et al. 2015 PMID: 25741868, with internal and published modifications).

NM_001148.6(ANK2):c.2583C>T (p.Tyr861=)

Gene: ANK2 (ankyrin 2; plus strand). Cytogenetic location: 4q26.
Variant type: single nucleotide variant.
Coding change: c.2583C>T on transcript NM_001148.6 (MANE Select); coding-DNA position 2583, C replaced by T.
Protein change: p.Tyr861=; no amino-acid change (tyrosine 861 retained).
Molecular consequence: synonymous variant.
Genome position (GRCh38, 1-based): chr4:113,311,289, C>T. VCF-style: chr4-113311289-C-T. GRCh37 (hg19) VCF-style: chr4-114232445-C-T.
Other names: c.2520C>T, p.Tyr840= (NM_001127493.3, NM_001354239.2, NM_001354243.2 and 10 more transcripts); c.2583C>T, p.Tyr861= (NM_001354225.2, NM_001354228.2, NM_001354232.2 and 6 more transcripts); c.2628C>T, p.Tyr876= (NM_001354230.2, NM_001354231.2, NM_001354237.2 and 5 more transcripts); c.2484C>T, p.Tyr828= (NM_001354245.2, NM_001354268.2); c.2496C>T, p.Tyr832= (NM_001354249.2, NM_001354264.2, NM_001354266.2 and 10 more transcripts); c.2421C>T, p.Tyr807= (NM_001354253.2, NM_001354257.2, NM_001354270.2 and 1 more transcripts); c.2397C>T, p.Tyr799= (NM_001354260.2, NM_001354271.2, NM_001386151.1); c.2541C>T, p.Tyr847= (NM_001354261.2, NM_001386147.1, NM_001386160.1); and 9 more.
Identifiers: ClinVar variation 382813 (VCV000382813.15), dbSNP rs529426179, ClinGen allele CA3050620.